The following is an entry in ClinVar:

NC_000003.11:g.78945148_79288919del

Gene: ROBO1 (roundabout guidance receptor 1; minus strand). Cytogenetic location: 3p12.3.
Variant type: Deletion.
Identifiers: ClinVar variation 1077098 (VCV001077098.1).

ClinVar aggregate classification (germline): Likely pathogenic (1 of 4 stars; one submission).

Conditions:
Pituitary stalk interruption syndrome. Identifiers: Orphanet 95496, MedGen C4053775, MONDO:0019828.

Submission:

Institute of Human Genetics, University of Leipzig Medical Center
Classification: Likely pathogenic for Pituitary stalk interruption syndrome. Last evaluated: 2021-01-09. Review status: criteria provided, single submitter. Criteria: ACMG Guidelines, 2015. Collection method: curation. Allele origin: germline. Inheritance: Autosomal dominant inheritance. Affected: yes.
Comment: This variant was reported as hg19 (February 2009) 3p12.3 (78.945.148â€“79.288.919) in an individual (Scala_Index) with ectopic posterior pituitary, duplication of the pituitary stalk and anterior pituitary hypoplasia (PMID: 30530901). Inheritance was reported as dominant (heterozygous) (paternal). The variant was reviewed according to current ACMG recommendations and classified as Likely Pathogenic (criteria: PVS1_VeryStrong, PM2_Supporting) at the variant level; the gene-disease association is currently not established in curated databases.

Literature cited by the submitters: PubMed 30530901.